The following is an entry in ClinVar:

NM_001458.5(FLNC):c.7597G>C (p.Ala2533Pro)

Genes: FLNC-AS1 (FLNC antisense RNA 1; minus strand), FLNC (filamin C; plus strand). Cytogenetic location: 7q32.1.
Variant type: single nucleotide variant.
Coding change: c.7597G>C on transcript NM_001458.5 (MANE Select); coding-DNA position 7597, G replaced by C.
Protein change: p.Ala2533Pro; replaces alanine 2533 with proline.
Molecular consequence: missense variant.
Genome position (GRCh38, 1-based): chr7:128,857,153, G>C. VCF-style: chr7-128857153-G-C. GRCh37 (hg19) VCF-style: chr7-128497207-G-C.
Other names: c.7498G>C, p.Ala2500Pro (NM_001127487.2); short protein forms A2500P, A2533P.
Identifiers: ClinVar variation 1717174 (VCV001717174.8), dbSNP rs370419207, ClinGen allele CA166195382.

ClinVar aggregate classification (germline): Uncertain significance. Review status: criteria provided, multiple submitters, no conflicts (2 of 4 stars). 2 submissions from 2 submitters: Uncertain significance (2). Last evaluated 2023-03-11.

Conditions:
Myofibrillar myopathy 5. Also called: Filaminopathy (type); FILAMINOPATHY, AUTOSOMAL DOMINANT. Identifiers: Orphanet 171445, MedGen C1836050, MONDO:0012289, OMIM 609524.
Distal myopathy with posterior leg and anterior hand involvement. Also called: WILLIAMS DISTAL MYOPATHY. Identifiers: Orphanet 63273, MedGen C3279722, MONDO:0013550, OMIM 614065.
Hypertrophic cardiomyopathy 26. Also called: Cardiomyopathy, familial hypertrophic, 26. Identifiers: Orphanet 75249, MedGen C4310749, MONDO:0014883, OMIM 617047.
Cardiovascular phenotype. Identifiers: MedGen CN230736.

Allele frequency attached by ClinVar (database versions not stated): ESP Exome Variant Server 0.00008.
gnomAD v4.1: 1 of 1,614,130 alleles (0.000062%); highest among the groups gnomAD compares: Non-Finnish European, 0.000085%; no homozygotes.

Submissions (2):

Labcorp Genetics (formerly Invitae), Labcorp
Classification: Uncertain significance for Distal myopathy with posterior leg and anterior hand involvement; Myofibrillar myopathy 5; Hypertrophic cardiomyopathy 26. Last evaluated: 2023-03-11. Review status: criteria provided, single submitter. Criteria: Invitae Variant Classification Sherloc (09022015). Collection method: clinical testing. Allele origin: germline.
Comment: This sequence change replaces alanine, which is neutral and non-polar, with proline, which is neutral and non-polar, at codon 2533 of the FLNC protein (p.Ala2533Pro). This variant is not present in population databases (gnomAD no frequency). This variant has not been reported in the literature in individuals affected with FLNC-related conditions. ClinVar contains an entry for this variant (Variation ID: 1717174). Advanced modeling of protein sequence and biophysical properties (such as structural, functional, and spatial information, amino acid conservation, physicochemical variation, residue mobility, and thermodynamic stability) performed at Invitae indicates that this missense variant is not expected to disrupt FLNC protein function. In summary, the available evidence is currently insufficient to determine the role of this variant in disease. Therefore, it has been classified as a Variant of Uncertain Significance.

Ambry Genetics
Classification: Uncertain significance for Cardiovascular phenotype. Last evaluated: 2021-11-19. Review status: criteria provided, single submitter. Criteria: Ambry Variant Classification Scheme 2023. Collection method: clinical testing. Allele origin: germline.
Comment: The p.A2533P variant (also known as c.7597G>C), located in coding exon 46 of the FLNC gene, results from a G to C substitution at nucleotide position 7597. The alanine at codon 2533 is replaced by proline, an amino acid with highly similar properties. This amino acid position is conserved. In addition, this alteration is predicted to be deleterious by in silico analysis. Since supporting evidence is limited at this time, the clinical significance of this alteration remains unclear.